The following is an entry in ClinVar:

NM_001999.4(FBN2):c.2508G>A (p.Thr836=)

Gene: FBN2 (fibrillin 2; minus strand). Cytogenetic location: 5q23.3.
Variant type: single nucleotide variant.
Coding change: c.2508G>A on transcript NM_001999.4 (MANE Select); coding-DNA position 2508, G replaced by A.
Protein change: p.Thr836=; no amino-acid change (threonine 836 retained).
Molecular consequence: synonymous variant.
Genome position (GRCh38, 1-based): chr5:128,361,769, C>T on the plus strand (G>A on the coding strand, the complement: FBN2 is on the minus strand). VCF-style: chr5-128361769-C-T. GRCh37 (hg19) VCF-style: chr5-127697462-C-T.
Other names: p.T836T:ACG>ACA.
Identifiers: ClinVar variation 137320 (VCV000137320.36), dbSNP rs372872626, ClinGen allele CA290861.
Genomic context (GRCh38, chr5:128,361,769, plus strand): 5'-AAGACAGCTCTTACCTTCACAGGTCTCTGTCTCAGTCCTGAACACATACCCTGGTGGGCA[C>T]GTACAGCTGTAACTTCCTGGCGTGTTTCGGCACAATCCGTTATCACAAAGCAGTCTGTTT-3'
Protein context (NP_001990.2, residues 826-846): CRNTPGSYSC[Thr836=]CPPGYVFRTE

ClinVar aggregate classification (germline): Conflicting classifications of pathogenicity. Review status: criteria provided, conflicting classifications (1 of 4 stars). 8 submissions from 8 submitters: Uncertain significance (2); Benign (1); Likely benign (4). 1 of the submissions does not count toward it. Last evaluated 2025-10-16.

Conditions:
FBN2-related disorder. Also called: FBN2-related condition.
Ehlers-Danlos syndrome (EDS). Identifiers: Orphanet 98249, MedGen C0013720, MONDO:0020066.
Familial thoracic aortic aneurysm and aortic dissection (TAAD). Also called: Thoracic aortic aneurysms and dissections. Identifiers: Orphanet 91387, MedGen C4707243, MONDO:0019625.
Congenital contractural arachnodactyly (CCA). Also called: BEALS SYNDROME; Beals-Hecht syndrome; Arthrogryposis, distal, type 9. Identifiers: Orphanet 115, MedGen C0220668, MONDO:0007363, OMIM 121050.

Allele frequency attached by ClinVar (database versions not stated): gnomAD 0.00005 and 0.00006; TOPMed 0.00006; ExAC 0.00007; ESP Exome Variant Server 0.00015.
gnomAD v4.1: 165 of 1,613,972 alleles (0.01%); highest among the groups gnomAD compares: Admixed American, 0.015%; no homozygotes.

Submissions (8):

Labcorp Genetics (formerly Invitae), Labcorp
Classification: Likely benign for Congenital contractural arachnodactyly. Last evaluated: 2025-10-16. Review status: criteria provided, single submitter. Criteria: Invitae Variant Classification Sherloc (09022015). Collection method: clinical testing. Allele origin: germline.

CeGaT Center for Human Genetics Tuebingen
Classification: Likely benign. Last evaluated: 2025-05-01. Review status: criteria provided, single submitter. Criteria: CeGaT Center For Human Genetics Tuebingen Variant Classification Criteria Version 2. Collection method: clinical testing. Allele origin: germline. Affected: yes. Observed: 1 variant allele.
Comment: FBN2: BP4, BP7

Blueprint Genetics
Classification: Likely benign. Last evaluated: 2022-05-12. Review status: criteria provided, single submitter. Criteria: ACMG Guidelines, 2015. Collection method: clinical testing. Allele origin: germline.

Genome Diagnostics Laboratory, The Hospital for Sick Children
Classification: Uncertain significance for Ehlers-Danlos syndrome. Last evaluated: 2022-03-15. Review status: criteria provided, single submitter. Criteria: ACMG Guidelines, 2015. Collection method: clinical testing. Allele origin: germline.

Illumina Laboratory Services, Illumina
Classification: Uncertain significance for Congenital contractural arachnodactyly. Last evaluated: 2018-01-13. Review status: criteria provided, single submitter. Criteria: ICSL Variant Classification Criteria 13 December 2019. Collection method: clinical testing. Allele origin: germline.

Ambry Genetics
Classification: Likely benign for Familial thoracic aortic aneurysm and aortic dissection. Last evaluated: 2015-04-03. Review status: criteria provided, single submitter. Criteria: Ambry Variant Classification Scheme 2023. Collection method: clinical testing. Allele origin: germline.

GeneDx
Classification: Benign. Last evaluated: 2014-03-24. Review status: criteria provided, single submitter. Criteria: GeneDx Variant Classification (06012015). Collection method: clinical testing. Allele origin: germline. Affected: yes.
Comment: This variant is considered likely benign or benign based on one or more of the following criteria: it is a conservative change, it occurs at a poorly conserved position in the protein, it is predicted to be benign by multiple in silico algorithms, and/or has population frequency not consistent with disease.

PreventionGenetics, part of Exact Sciences
Classification: Likely benign for FBN2-related condition. Last evaluated: 2024-07-16. Review status: no assertion criteria provided. Collection method: clinical testing. Allele origin: germline. Not counted in ClinVar's aggregate classification.
Comment: This variant is classified as likely benign based on ACMG/AMP sequence variant interpretation guidelines (Richards et al. 2015 PMID: 25741868, with internal and published modifications).